The following is an entry in ClinVar:

ClinVar aggregate classification (germline): Uncertain significance (1 of 4 stars; one submission).

Conditions:
BAZ2B-related disorder. Also called: BAZ2B-related condition.

Submission:

PreventionGenetics, part of Exact Sciences
Classification: Uncertain significance for BAZ2B-related condition. Last evaluated: 2026-06-02. Review status: criteria provided, single submitter. Criteria: ACMG Guidelines, 2015. Collection method: clinical testing. Allele origin: germline.
Comment: The BAZ2B c.4278A>C variant is predicted to result in the amino acid substitution p.Lys1426Asn. To our knowledge, this variant has not been reported in the literature or in a large population database (gnomAD), indicating this variant is rare. At this time, the clinical significance of this variant is uncertain due to the absence of conclusive functional and genetic evidence.

NM_013450.4(BAZ2B):c.4386A>C (p.Lys1462Asn)

Genes: BAZ2B (bromodomain adjacent to zinc finger domain 2B; minus strand), LOC126806390 (CDK7 strongly-dependent group 2 enhancer GRCh37_chr2:160205700-160206899; plus strand). Cytogenetic location: 2q24.2.
Variant type: single nucleotide variant.
Coding change: c.4386A>C on transcript NM_013450.4 (MANE Select); coding-DNA position 4386, A replaced by C.
Protein change: p.Lys1462Asn; replaces lysine 1462 with asparagine.
Molecular consequence: missense variant.
Genome position (GRCh38, 1-based): chr2:159,350,185, T>G on the plus strand (A>C on the coding strand, the complement: BAZ2B is on the minus strand). VCF-style: chr2-159350185-T-G. GRCh37 (hg19) VCF-style: chr2-160206696-T-G.
Other names: c.4278A>C, p.Lys1426Asn (NM_001289975.1); c.4224A>C, p.Lys1408Asn (NM_001329857.2); c.4311A>C, p.Lys1437Asn (NM_001329858.2); short protein forms K1408N, K1437N, K1462N, K1426N.
Identifiers: ClinVar variation 4994239 (VCV004994239.1).